The following is an entry in ClinVar:

ClinVar aggregate classification (germline): Uncertain significance. Review status: criteria provided, multiple submitters, no conflicts (2 of 4 stars). 2 submissions from 2 submitters: Uncertain significance (2). Last evaluated 2025-12-09.

Conditions:
Deficiency of alpha-mannosidase (MANSA). Also called: Mannosidosis, alpha-, types I and II; LYSOSOMAL ALPHA-D-MANNOSIDASE DEFICIENCY; Alpha-Mannosidosis. Identifiers: Orphanet 61, MedGen C0024748, MONDO:0009561, OMIM 248500.
Inborn genetic diseases. Identifiers: MedGen C0950123, MeSH D030342.

Allele frequency attached by ClinVar (database versions not stated): ExAC 0.00001; gnomAD exomes 0.00001.
gnomAD v4.1: 6 of 1,614,180 alleles (0.00037%); highest among the groups gnomAD compares: Admixed American, 0.01%; no homozygotes.

Submissions (2):

Ambry Genetics
Classification: Uncertain significance for Inborn genetic diseases. Last evaluated: 2025-12-09. Review status: criteria provided, single submitter. Criteria: Ambry Variant Classification Scheme 2023. Collection method: clinical testing. Allele origin: germline.

Labcorp Genetics (formerly Invitae), Labcorp
Classification: Uncertain significance for Deficiency of alpha-mannosidase. Last evaluated: 2022-09-01. Review status: criteria provided, single submitter. Criteria: Invitae Variant Classification Sherloc (09022015). Collection method: clinical testing. Allele origin: germline.
Comment: This sequence change replaces threonine, which is neutral and polar, with alanine, which is neutral and non-polar, at codon 301 of the MAN2B1 protein (p.Thr301Ala). This variant is present in population databases (rs757302890, gnomAD 0.003%). This variant has not been reported in the literature in individuals affected with MAN2B1-related conditions. Algorithms developed to predict the effect of missense changes on protein structure and function output the following: SIFT: "Tolerated"; PolyPhen-2: "Benign"; Align-GVGD: "Class C0". The alanine amino acid residue is found in multiple mammalian species, which suggests that this missense change does not adversely affect protein function. Algorithms developed to predict the effect of sequence changes on RNA splicing suggest that this variant may create or strengthen a splice site. In summary, the available evidence is currently insufficient to determine the role of this variant in disease. Therefore, it has been classified as a Variant of Uncertain Significance.

NM_000528.4(MAN2B1):c.901A>G (p.Thr301Ala)

Gene: MAN2B1 (mannosidase alpha class 2B member 1; minus strand). Cytogenetic location: 19p13.13.
Variant type: single nucleotide variant.
Coding change: c.901A>G on transcript NM_000528.4 (MANE Select); coding-DNA position 901, A replaced by G.
Protein change: p.Thr301Ala; replaces threonine 301 with alanine.
Molecular consequence: missense variant.
Genome position (GRCh38, 1-based): chr19:12,663,325, T>C on the plus strand (A>G on the coding strand, the complement: MAN2B1 is on the minus strand). VCF-style: chr19-12663325-T-C. GRCh37 (hg19) VCF-style: chr19-12774139-T-C.
Other names: c.901A>G, p.Thr301Ala (NM_001173498.2); c.901A>G (NM_000528.3); short protein forms T301A.
Identifiers: ClinVar variation 2064672 (VCV002064672.2), dbSNP rs757302890, ClinGen allele CA9226681.